The following is an entry in ClinVar:

ClinVar aggregate classification (germline): Uncertain significance (1 of 4 stars; one submission).

Submission:

Labcorp Genetics (formerly Invitae), Labcorp
Classification: Uncertain significance. Last evaluated: 2022-02-09. Review status: criteria provided, single submitter. Criteria: Invitae Variant Classification Sherloc (09022015). Collection method: clinical testing. Allele origin: germline.
Comment: This variant has not been reported in the literature in individuals affected with OCA2-related conditions. This variant is not present in population databases (gnomAD no frequency). This sequence change replaces leucine, which is neutral and non-polar, with glutamine, which is neutral and polar, at codon 662 of the OCA2 protein (p.Leu662Gln). In summary, the available evidence is currently insufficient to determine the role of this variant in disease. Therefore, it has been classified as a Variant of Uncertain Significance. Advanced modeling of protein sequence and biophysical properties (such as structural, functional, and spatial information, amino acid conservation, physicochemical variation, residue mobility, and thermodynamic stability) performed at Invitae indicates that this missense variant is expected to disrupt OCA2 protein function.

NM_000275.3(OCA2):c.1985T>A (p.Leu662Gln)

Gene: OCA2 (OCA2 melanosomal transmembrane protein; minus strand). Cytogenetic location: 15q13.1.
Variant type: single nucleotide variant.
Coding change: c.1985T>A on transcript NM_000275.3 (MANE Select); coding-DNA position 1985, T replaced by A.
Protein change: p.Leu662Gln; replaces leucine 662 with glutamine.
Molecular consequence: missense variant.
Genome position (GRCh38, 1-based): chr15:27,926,221, A>T on the plus strand (T>A on the coding strand, the complement: OCA2 is on the minus strand). VCF-style: chr15-27926221-A-T. GRCh37 (hg19) VCF-style: chr15-28171367-A-T.
Other names: c.1913T>A, p.Leu638Gln (NM_001300984.2); short protein forms L638Q, L662Q.
Identifiers: ClinVar variation 1488751 (VCV001488751.6), dbSNP rs2140372156, ClinGen allele CA391361318.
Genomic context (GRCh38, chr15:27,926,221, plus strand): 5'-AGGGTTGCCCATTCCACTCTGTGTAGAATTATCTCAAAATCATGAATATCAGCTAAAATT[A>T]GCAACCAGATGGCACCCAGAATAGCAATCCATCCTGAAAATAAGTAAATAGACATAGAGA-3'
Protein context (NP_000266.2, residues 652-672): WIAILGAIWL[Leu662Gln]ILADIHDFEI